The following is an entry in ClinVar:

ClinVar aggregate classification (germline): Benign/Likely benign. Review status: criteria provided, multiple submitters, no conflicts (2 of 4 stars). 5 submissions from 5 submitters: Benign (2); Likely benign (2). 1 of the submissions does not count toward it. Last evaluated 2026-01-27.

Conditions:
MYOM1-related disorder.
Hypertrophic cardiomyopathy. Also called: HYPERTROPHIC MYOCARDIOPATHY. Identifiers: Orphanet 217569, MedGen C0007194, MeSH D002312, MONDO:0005045, HP:0001639.

Allele frequency attached by ClinVar (database versions not stated): TOPMed 0.00183; gnomAD 0.00186 and 0.00188; gnomAD exomes 0.00214 and 0.00269; ExAC 0.00223; ESP Exome Variant Server 0.00232; 1000 Genomes Project 0.00060; 1000 Genomes Project 30x 0.00078.
gnomAD v4.1: 4,216 of 1,613,930 alleles (0.26%); highest among the groups gnomAD compares: Non-Finnish European, 0.32%; 9 homozygotes.

Submissions (5):

Labcorp Genetics (formerly Invitae), Labcorp
Classification: Benign for Hypertrophic cardiomyopathy. Last evaluated: 2026-01-27. Review status: criteria provided, single submitter. Criteria: Invitae Variant Classification Sherloc (09022015). Collection method: clinical testing. Allele origin: germline.

Ambry Genetics
Classification: Likely benign. Last evaluated: 2022-05-17. Review status: criteria provided, single submitter. Criteria: Ambry Variant Classification Scheme 2023. Collection method: clinical testing. Allele origin: germline.

Laboratory for Molecular Medicine, Mass General Brigham Personalized Medicine
Classification: Benign. Last evaluated: 2014-11-24. Review status: criteria provided, single submitter. Criteria: LMM Criteria. Collection method: clinical testing. Allele origin: germline. Observed: 1 variant allele.
Comment: Pro909Pro in exon 18 of MYOM1: This variant is not expected to have clinical sig nificance because it does not alter an amino acid residue and is not located wit hin the splice consensus sequence. It has been identified in 0.3% (28/8220) of E uropean American chromosomes from a broad population by the NHLBI Exome Sequenci ng Project (dbSNP rs72860212).

Breakthrough Genomics
Classification: Likely benign. Review status: criteria provided, single submitter. Criteria: ACMG Guidelines, 2015. Collection method: not provided. Allele origin: germline. Inheritance: Unknown mechanism. Affected: yes.

PreventionGenetics, part of Exact Sciences
Classification: Likely benign for MYOM1-related condition. Last evaluated: 2019-08-08. Review status: no assertion criteria provided. Collection method: clinical testing. Allele origin: germline. Not counted in ClinVar's aggregate classification.
Comment: This variant is classified as likely benign based on ACMG/AMP sequence variant interpretation guidelines (Richards et al. 2015 PMID: 25741868, with internal and published modifications).

NM_003803.4(MYOM1):c.2727G>A (p.Pro909=)

Gene: MYOM1 (myomesin 1; minus strand). Cytogenetic location: 18p11.31.
Variant type: single nucleotide variant.
Coding change: c.2727G>A on transcript NM_003803.4 (MANE Select); coding-DNA position 2727, G replaced by A.
Protein change: p.Pro909=; no amino-acid change (proline 909 retained).
Molecular consequence: synonymous variant. On other transcripts: intron variant (1).
Genome position (GRCh38, 1-based): chr18:3,129,299, C>T on the plus strand (G>A on the coding strand, the complement: MYOM1 is on the minus strand). VCF-style: chr18-3129299-C-T. GRCh37 (hg19) VCF-style: chr18-3129297-C-T.
Other names: c.2506+2076G>A (NM_019856.2).
Identifiers: ClinVar variation 220589 (VCV000220589.23), dbSNP rs72860212, ClinGen allele CA350152.